The following is an entry in ClinVar:

NM_001127649.3(PEX26):c.629A>G (p.His210Arg)

Gene: PEX26 (peroxisomal biogenesis factor 26; plus strand). Cytogenetic location: 22q11.21.
Variant type: single nucleotide variant.
Coding change: c.629A>G on transcript NM_001127649.3 (MANE Select); coding-DNA position 629, A replaced by G.
Protein change: p.His210Arg; replaces histidine 210 with arginine.
Molecular consequence: missense variant.
Genome position (GRCh38, 1-based): chr22:18,083,694, A>G. VCF-style: chr22-18083694-A-G. GRCh37 (hg19) VCF-style: chr22-18566460-A-G.
Other names: c.629A>G, p.His210Arg (NM_017929.6, NM_001199319.2); short protein forms H210R.
Identifiers: ClinVar variation 1974706 (VCV001974706.2), dbSNP rs758495334, ClinGen allele CA10093363.

ClinVar aggregate classification (germline): Uncertain significance (1 of 4 stars; one submission).

Conditions:
Peroxisome biogenesis disorder 7A (Zellweger). Also called: Peroxisome biogenesis disorder 7A. Identifiers: Orphanet 912, MedGen C3888385, MONDO:0013938, OMIM 614872.
Peroxisome biogenesis disorder 7B (PBD7B). Identifiers: Orphanet 44, MedGen C3553951, MONDO:0013939, OMIM 614873.

Allele frequency attached by ClinVar (database versions not stated): gnomAD 0.00001; TOPMed 0.00001.
gnomAD v4.1: 7 of 1,613,890 alleles (0.00043%); highest among the groups gnomAD compares: Middle Eastern, 0.017%; no homozygotes.

Submission:

Labcorp Genetics (formerly Invitae), Labcorp
Classification: Uncertain significance for Peroxisome biogenesis disorder 7A (Zellweger); Peroxisome biogenesis disorder 7B. Last evaluated: 2022-05-06. Review status: criteria provided, single submitter. Criteria: Invitae Variant Classification Sherloc (09022015). Collection method: clinical testing. Allele origin: germline.
Comment: This sequence change replaces histidine, which is basic and polar, with arginine, which is basic and polar, at codon 210 of the PEX26 protein (p.His210Arg). This variant is present in population databases (rs758495334, gnomAD 0.003%). This variant has not been reported in the literature in individuals affected with PEX26-related conditions. Algorithms developed to predict the effect of missense changes on protein structure and function output the following: SIFT: "Tolerated"; PolyPhen-2: "Benign"; Align-GVGD: "Class C0". The arginine amino acid residue is found in multiple mammalian species, which suggests that this missense change does not adversely affect protein function. In summary, the available evidence is currently insufficient to determine the role of this variant in disease. Therefore, it has been classified as a Variant of Uncertain Significance.